The following is an entry in ClinVar:

ClinVar aggregate classification (germline): Uncertain significance (1 of 4 stars; one submission).

Allele frequency attached by ClinVar (database versions not stated): ESP Exome Variant Server 0.00008; gnomAD 0.00012; TOPMed 0.00012; ExAC 0.00021; gnomAD exomes 0.00043.
gnomAD v4.1: 643 of 1,614,068 alleles (0.04%); highest among the groups gnomAD compares: South Asian, 0.053%; 1 homozygote.

Submission:

Labcorp Genetics (formerly Invitae), Labcorp
Classification: Uncertain significance. Last evaluated: 2026-01-05. Review status: criteria provided, single submitter. Criteria: Invitae Variant Classification Sherloc (09022015). Collection method: clinical testing. Allele origin: germline.
Comment: This sequence change replaces arginine, which is basic and polar, with histidine, which is basic and polar, at codon 499 of the H6PD protein (p.Arg499His). This variant is present in population databases (rs141034012, gnomAD 0.06%), including at least one homozygous and/or hemizygous individual. This variant has not been reported in the literature in individuals affected with H6PD-related conditions. ClinVar contains an entry for this variant (Variation ID: 2054097). Invitae Evidence Modeling of protein sequence and biophysical properties (such as structural, functional, and spatial information, amino acid conservation, physicochemical variation, residue mobility, and thermodynamic stability) indicates that this missense variant is expected to disrupt H6PD protein function with a positive predictive value of 80%. In summary, the available evidence is currently insufficient to determine the role of this variant in disease. Therefore, it has been classified as a Variant of Uncertain Significance.

NM_004285.4(H6PD):c.1496G>A (p.Arg499His)

Gene: H6PD (hexose-6-phosphate dehydrogenase/glucose 1-dehydrogenase; plus strand). Cytogenetic location: 1p36.22.
Variant type: single nucleotide variant.
Coding change: c.1496G>A on transcript NM_004285.4 (MANE Select); coding-DNA position 1496, G replaced by A.
Protein change: p.Arg499His; replaces arginine 499 with histidine.
Molecular consequence: missense variant.
Genome position (GRCh38, 1-based): chr1:9,263,989, G>A. VCF-style: chr1-9263989-G-A. GRCh37 (hg19) VCF-style: chr1-9324048-G-A.
Other names: c.1529G>A, p.Arg510His (NM_001282587.2); short protein forms R510H, R499H.
Identifiers: ClinVar variation 2054097 (VCV002054097.4), dbSNP rs141034012, ClinGen allele CA575315.